The following is an entry in ClinVar:

NM_201384.3(PLEC):c.10849C>T (p.Arg3617Cys)

Gene: PLEC (plectin; minus strand). Cytogenetic location: 8q24.3.
Variant type: single nucleotide variant.
Coding change: c.10849C>T on transcript NM_201384.3 (MANE Select); coding-DNA position 10849, C replaced by T.
Protein change: p.Arg3617Cys; replaces arginine 3617 with cysteine.
Molecular consequence: missense variant.
Genome position (GRCh38, 1-based): chr8:143,918,972, G>A on the plus strand (C>T on the coding strand, the complement: PLEC is on the minus strand). VCF-style: chr8-143918972-G-A. GRCh37 (hg19) VCF-style: chr8-144993140-G-A.
Other names: c.10930C>T, p.Arg3644Cys (NM_000445.5); c.10807C>T, p.Arg3603Cys (NM_201378.4); c.10783C>T, p.Arg3595Cys (NM_201379.3); c.11260C>T, p.Arg3754Cys (NM_201380.4); c.10753C>T, p.Arg3585Cys (NM_201381.3); c.10849C>T, p.Arg3617Cys (NM_201382.4); c.10861C>T, p.Arg3621Cys (NM_201383.3); short protein forms R3585C, R3595C, R3603C, R3617C, R3621C, R3644C, R3754C.
Identifiers: ClinVar variation 1163895 (VCV001163895.13), dbSNP rs781877026, ClinGen allele CA4924519.

ClinVar aggregate classification (germline): Uncertain significance. Review status: criteria provided, multiple submitters, no conflicts (2 of 4 stars). 3 submissions from 3 submitters: Uncertain significance (3). Last evaluated 2025-10-29.

Conditions:
Epidermolysis bullosa simplex 5B, with muscular dystrophy (EBS5B). Also called: Epidermolysis bullosa simplex with muscular dystrophy; EPIDERMOLYSIS BULLOSA SIMPLEX AND LIMB-GIRDLE MUSCULAR DYSTROPHY. Identifiers: Orphanet 257, MedGen C2931072, MONDO:0009181, OMIM 226670.
Epidermolysis bullosa simplex with nail dystrophy (EBS5D). Identifiers: MedGen C4225309, MONDO:0014661, OMIM 616487.
Epidermolysis bullosa simplex 5C, with pyloric atresia (EBS5C). Also called: Epidermolysis bullosa simplex with pyloric atresia; PLEC-Related Epidermolysis Bullosa with Pyloric Atresia; PLEC1-Related Epidermolysis Bullosa with Pyloric Atresia. Identifiers: Orphanet 158684, MedGen C2677349, MONDO:0012807, OMIM 612138.
Epidermolysis bullosa simplex, Ogna type (EBS5A). Also called: EPIDERMOLYSIS BULLOSA SIMPLEX 5A, OGNA TYPE; Pidermolysis bullosa simplex 5A, Ogna type. Identifiers: Orphanet 79401, MedGen C0432317, MONDO:0007555, OMIM 131950.
Autosomal recessive limb-girdle muscular dystrophy type 2Q (LGMDR17). Also called: MUSCULAR DYSTROPHY, LIMB-GIRDLE, AUTOSOMAL RECESSIVE 17. Identifiers: Orphanet 254361, MedGen C3150989, MONDO:0013390, OMIM 613723.

Allele frequency attached by ClinVar (database versions not stated): gnomAD exomes 0.00002; ExAC 0.00003; gnomAD 0.00003 and 0.00004; TOPMed 0.00009.
gnomAD v4.1: 30 of 1,610,822 alleles (0.0019%); highest among the groups gnomAD compares: African/African-American, 0.0093%; no homozygotes.

Submissions (3):

Labcorp Genetics (formerly Invitae), Labcorp
Classification: Uncertain significance for Autosomal recessive limb-girdle muscular dystrophy type 2Q; Epidermolysis bullosa simplex, Ogna type; Epidermolysis bullosa simplex with nail dystrophy; Epidermolysis bullosa simplex 5C, with pyloric atresia; Epidermolysis bullosa simplex 5B, with muscular dystrophy. Last evaluated: 2025-10-29. Review status: criteria provided, single submitter. Criteria: Invitae Variant Classification Sherloc (09022015). Collection method: clinical testing. Allele origin: germline.
Comment: This sequence change replaces arginine, which is basic and polar, with cysteine, which is neutral and slightly polar, at codon 3644 of the PLEC protein (p.Arg3644Cys). This variant is present in population databases (rs781877026, gnomAD 0.008%). This variant has not been reported in the literature in individuals affected with PLEC-related conditions. ClinVar contains an entry for this variant (Variation ID: 1163895). An algorithm developed to predict the effect of missense changes on protein structure and function (PolyPhen-2) suggests that this variant is likely to be disruptive. In summary, the available evidence is currently insufficient to determine the role of this variant in disease. Therefore, it has been classified as a Variant of Uncertain Significance.

Mayo Clinic Laboratories, Mayo Clinic
Classification: Uncertain significance. Last evaluated: 2025-05-01. Review status: criteria provided, single submitter. Criteria: ACMG Guidelines, 2015. Collection method: clinical testing. Allele origin: germline. Observed: 3 variant alleles.
Comment: PP3

Revvity Omics, Revvity
Classification: Uncertain significance. Last evaluated: 2019-12-05. Review status: criteria provided, single submitter. Criteria: ACMG Guidelines, 2015. Collection method: clinical testing. Allele origin: germline.